The following is an entry in ClinVar:

NM_005359.6(SMAD4):c.535A>G (p.Ile179Val)

Gene: SMAD4 (SMAD family member 4; plus strand). Cytogenetic location: 18q21.2.
Variant type: single nucleotide variant.
Coding change: c.535A>G on transcript NM_005359.6 (MANE Select); coding-DNA position 535, A replaced by G.
Protein change: p.Ile179Val; replaces isoleucine 179 with valine.
Molecular consequence: missense variant.
Genome position (GRCh38, 1-based): chr18:51,054,861, A>G. VCF-style: chr18-51054861-A-G. GRCh37 (hg19) VCF-style: chr18-48581231-A-G.
Other names: short protein forms I179V.
Identifiers: ClinVar variation 185866 (VCV000185866.40), dbSNP rs542392980, ClinGen allele CA193193.

ClinVar aggregate classification (germline): Conflicting classifications of pathogenicity. Review status: criteria provided, conflicting classifications (1 of 4 stars). 16 submissions from 16 submitters: Uncertain significance (13); Benign (2). 1 of the submissions does not count toward it. Last evaluated 2026-04-04.

Conditions:
SMAD4-related disorder. Also called: SMAD4-related condition; SMAD4-Related disorders.
Juvenile polyposis syndrome (JPS). Identifiers: Orphanet 2929, MedGen C0345893, MONDO:0017380, OMIM 174900.
Familial thoracic aortic aneurysm and aortic dissection (TAAD). Also called: Thoracic aortic aneurysms and dissections. Identifiers: Orphanet 91387, MedGen C4707243, MONDO:0019625.
Hereditary cancer-predisposing syndrome. Also called: Neoplastic Syndromes, Hereditary; Tumor predisposition; Hereditary neoplastic syndrome; Hereditary Cancer Syndrome. Identifiers: Orphanet 140162, MedGen C0027672, MeSH D009386, MONDO:0015356.
Myhre syndrome (MYHRS). Also called: LARYNGOTRACHEAL STENOSIS, ARTHROPATHY, PROGNATHISM, AND SHORT STATURE; LAPS SYNDROME. Identifiers: Orphanet 2588, MedGen C0796081, MONDO:0007688, OMIM 139210.
Generalized juvenile polyposis/juvenile polyposis coli. Also called: Juvenile polyposis coli. Identifiers: Orphanet 329971, MedGen C1868081, MONDO:0008276.
Juvenile polyposis/hereditary hemorrhagic telangiectasia syndrome (JPHT). Also called: Juvenile Polyposis Syndrome / Hereditary Hemorrhagic Telangiectasia (JPS/HHT); TELANGIECTASIA, HEREDITARY HEMORRHAGIC, WITH JUVENILE POLYPOSIS COLI; JP/HHT SYNDROME; JUVENILE POLYPOSIS WITH HEREDITARY HEMORRHAGIC TELANGIECTASIA; POLYPOSIS, GENERALIZED JUVENILE, WITH PULMONARY ARTERIOVENOUS MALFORMATION. Identifiers: Orphanet 2929, MedGen C1832942, MONDO:0008278, OMIM 175050.
Carcinoma of pancreas. Also called: Pancreatic cancer, somatic; Pancreatic carcinoma, somatic; PANCREATIC ACINAR CARCINOMA; PANCREATIC CARCINOMA; Exocrine pancreatic carcinoma. Identifiers: Orphanet 1333, Orphanet 217074, MedGen C0235974, MONDO:0005192. Disease mechanism: loss of function.

Allele frequency attached by ClinVar (database versions not stated): gnomAD 0.00001 and 0.00002; gnomAD exomes 0.00001; ExAC 0.00002; TOPMed 0.00003; 1000 Genomes Project 0.00020; 1000 Genomes Project 30x 0.00031.
gnomAD v4.1: 22 of 1,614,108 alleles (0.0014%); highest among the groups gnomAD compares: African/African-American, 0.0027%; no homozygotes.

Submissions 1 to 11 of 16:

PreventionGenetics, part of Exact Sciences
Classification: Uncertain significance for SMAD4-related condition. Last evaluated: 2026-04-04. Review status: criteria provided, single submitter. Criteria: ACMG Guidelines, 2015. Collection method: clinical testing. Allele origin: germline.
Comment: The SMAD4 c.535A>G variant is predicted to result in the amino acid substitution p.Ile179Val. This variant has been reported in the literature in an individual with colorectal cancer and in an individual with breast or ovarian cancer (Yurgelun et al. 2017. PubMed ID: 28135145; Table S1, Gauvin et al. 2025. PubMed ID: 39907309). This variant is reported in 0.0080% of alleles in individuals of African descent in gnomAD. This variant has conflicting interpretations in ClinVar ranging from uncertain to likely benign (Variation ID: 185866). At this time, the clinical significance of this variant is uncertain due to the absence of conclusive functional and genetic evidence.

Labcorp Genetics (formerly Invitae), Labcorp
Classification: Benign for Juvenile polyposis syndrome. Last evaluated: 2025-11-10. Review status: criteria provided, single submitter. Criteria: Invitae Variant Classification Sherloc (09022015). Collection method: clinical testing. Allele origin: germline.

Women's Health and Genetics/Laboratory Corporation of America, LabCorp
Classification: Uncertain significance. Last evaluated: 2025-10-27. Review status: criteria provided, single submitter. Criteria: LabCorp Variant Classification Summary - May 2015. Collection method: clinical testing. Allele origin: germline.
Comment: Variant summary: SMAD4 c.535A>G (p.Ile179Val) results in a conservative amino acid change in the encoded protein sequence. Algorithms developed to predict the effect of missense changes on protein structure and function are either unavailable or do not agree on the potential impact of this missense change. The variant allele was found at a frequency of 1.2e-05 in 251484 control chromosomes. The available data on variant occurrences in the general population are insufficient to allow any conclusion about variant significance. c.535A>G has been observed in an individual with breast and/or ovarian cancer and in an individual with colorectal cancer, without strong evidence of causality (example: Gauvin_2025, Yurgelun_2017). These reports do not provide unequivocal conclusions about association of the variant with SMAD4-related disorders. To our knowledge, no experimental evidence demonstrating an impact on protein function has been reported. The following publications have been ascertained in the context of this evaluation (PMID: 39907309, 28135145). ClinVar contains an entry for this variant (Variation ID: 185866). Based on the evidence outlined above, the variant was classified as uncertain significance.

Quest Diagnostics Nichols Institute San Juan Capistrano
Classification: Uncertain significance. Last evaluated: 2025-04-12. Review status: criteria provided, single submitter. Criteria: Quest Diagnostics criteria. Collection method: clinical testing. Allele origin: unknown.
Comment: The SMAD4 c.535A>G (p.Ile179Val) variant has been reported in the published literature in an individual affected with colorectal cancer (PMID: 28135145 (2017)). It was also identified in an individual/family affected with breast and/or ovarian cancer (PMID: 39907309 (2025)). The frequency of this variant in the general population (Genome Aggregation Database) is uninformative in the assessment of its pathogenicity. Analysis of this variant using bioinformatics tools for the prediction of the effect of amino acid changes on protein structure and function yielded predictions that this variant is benign. Based on the available information, we are unable to determine the clinical significance of this variant.

Ambry Genetics
Classification: Benign for Hereditary cancer-predisposing syndrome; Familial thoracic aortic aneurysm and aortic dissection. Last evaluated: 2024-10-17. Review status: criteria provided, single submitter. Criteria: Ambry Variant Classification Scheme 2023. Collection method: clinical testing. Allele origin: germline.

Blueprint Genetics
Classification: Uncertain significance. Last evaluated: 2024-10-03. Review status: criteria provided, single submitter. Criteria: ACMG Guidelines, 2015. Collection method: clinical testing. Allele origin: germline.

Molecular Pathology, Peter Maccallum Cancer Centre
Classification: Uncertain significance for Juvenile polyposis/hereditary hemorrhagic telangiectasia syndrome. Last evaluated: 2024-09-10. Review status: criteria provided, single submitter. Criteria: ACMG Guidelines, 2015. Collection method: clinical testing. Allele origin: germline. Inheritance: Autosomal dominant inheritance.

All of Us Research Program, National Institutes of Health
Classification: Uncertain significance for Juvenile polyposis/hereditary hemorrhagic telangiectasia syndrome. Last evaluated: 2024-08-13. Review status: criteria provided, single submitter. Criteria: ACMG Guidelines, 2015. Collection method: clinical testing. Allele origin: germline. Inheritance: Autosomal dominant inheritance. Observed: 5 variant alleles, 5 heterozygotes.
Comment: This missense variant replaces isoleucine with valine at codon 179 of the SMAD4 protein. Computational prediction suggests that this variant may not impact protein structure and function (internally defined REVEL score threshold <= 0.5, PMID: 27666373). To our knowledge, functional studies have not been reported for this variant. This variant has been reported in an individual affected with colorectal cancer in the literature (PMID: 28135145). This variant has been identified in 4/282890 chromosomes in the general population by the Genome Aggregation Database (gnomAD). The available evidence is insufficient to determine the role of this variant in disease conclusively. Therefore, this variant is classified as a Variant of Uncertain Significance.

This study involves interpretation of variants in research participants for the purpose of population health screening. Participant phenotype was not available at the time of variant classification. Additional details can be found in publication PMID: 35346344, PMCID: PMC8962531

GeneDx
Classification: Uncertain significance. Last evaluated: 2024-08-12. Review status: criteria provided, single submitter. Criteria: GeneDx Variant Classification Process June 2021. Collection method: clinical testing. Allele origin: germline. Affected: yes.
Comment: Observed in an individual with a personal history of colorectal cancer (PMID: 28135145); Not observed at significant frequency in large population cohorts (gnomAD); In silico analysis indicates that this missense variant does not alter protein structure/function; This variant is associated with the following publications: (PMID: 23559152, 15235019, 18823382, 22992590, 31837202, 26956206, 28135145)

Color Diagnostics, LLC DBA Color Health
Classification: Uncertain significance for Hereditary cancer-predisposing syndrome. Last evaluated: 2024-07-24. Review status: criteria provided, single submitter. Criteria: ACMG Guidelines, 2015. Collection method: clinical testing. Allele origin: germline.
Comment: This missense variant replaces isoleucine with valine at codon 179 of the SMAD4 protein. Computational prediction suggests that this variant may not impact protein structure and function (internally defined REVEL score threshold <= 0.5, PMID: 27666373). To our knowledge, functional studies have not been reported for this variant. This variant has been reported in a cohort of individuals affected with colorectal cancer (PMID: 28135145). This variant has been identified in 4/282890 chromosomes in the general population by the Genome Aggregation Database (gnomAD). The available evidence is insufficient to determine the role of this variant in disease conclusively. Therefore, this variant is classified as a Variant of Uncertain Significance.

Baylor Genetics
Classification: Uncertain significance for Juvenile polyposis/hereditary hemorrhagic telangiectasia syndrome. Last evaluated: 2023-10-22. Review status: criteria provided, single submitter. Criteria: ACMG Guidelines, 2015. Collection method: clinical testing. Allele origin: unknown.